The following is an entry in ClinVar:

NM_001164508.2(NEB):c.10170G>C (p.Trp3390Cys)

Gene: NEB (nebulin; minus strand). Cytogenetic location: 2q23.3.
Variant type: single nucleotide variant.
Coding change: c.10170G>C on transcript NM_001164508.2 (MANE Select); coding-DNA position 10170, G replaced by C.
Protein change: p.Trp3390Cys; replaces tryptophan 3390 with cysteine.
Molecular consequence: missense variant.
Genome position (GRCh38, 1-based): chr2:151,627,179, C>G on the plus strand (G>C on the coding strand, the complement: NEB is on the minus strand). VCF-style: chr2-151627179-C-G. GRCh37 (hg19) VCF-style: chr2-152483693-C-G.
Other names: c.10170G>C, p.Trp3390Cys (NM_001164507.2, NM_001271208.2); c.9441G>C, p.Trp3147Cys (NM_004543.5); short protein forms W3147C, W3390C.
Identifiers: ClinVar variation 4823015 (VCV004823015.4).

ClinVar aggregate classification (germline): Uncertain significance (1 of 4 stars; one submission).

Submission:

CeGaT Center for Human Genetics Tuebingen
Classification: Uncertain significance. Last evaluated: 2026-01-01. Review status: criteria provided, single submitter. Criteria: CeGaT Center For Human Genetics Tuebingen Variant Classification Criteria Version 2. Collection method: clinical testing. Allele origin: germline. Affected: yes. Observed: 1 variant allele.
Comment: NEB: PM2, PM3:Supporting